The following is an entry in ClinVar:

ClinVar aggregate classification (germline): Pathogenic (1 of 4 stars; one submission).

Conditions:
Jeune thoracic dystrophy. Also called: Jeune syndrome; Infantile thoracic dystrophy; Thoracic pelvic phalangeal dystrophy; Jeune's syndrome; Chondroectodermal dysplasia-like syndrome; Short-rib thoracic dysplasia. Identifiers: Orphanet 474, MedGen C0265275, MONDO:0018770.

gnomAD v4.1: 1 of 1,612,806 alleles (0.000062%); highest among the groups gnomAD compares: South Asian, 0.0011%; no homozygotes.

Submission:

Labcorp Genetics (formerly Invitae), Labcorp
Classification: Pathogenic for Jeune thoracic dystrophy. Last evaluated: 2025-08-03. Review status: criteria provided, single submitter. Criteria: Invitae Variant Classification Sherloc (09022015). Collection method: clinical testing. Allele origin: germline.
Comment: This sequence change creates a premature translational stop signal (p.Gln309*) in the IFT80 gene. It is expected to result in an absent or disrupted protein product. Loss-of-function variants in IFT80 are known to be pathogenic (PMID: 21227999, 23339108, 29068549). This variant is not present in population databases (gnomAD no frequency). This variant has not been reported in the literature in individuals affected with IFT80-related conditions. For these reasons, this variant has been classified as Pathogenic.

Literature cited by the submitters: PubMed 21227999; PubMed 23339108; PubMed 29068549.

NM_020800.3(IFT80):c.925C>T (p.Gln309Ter)

Genes: TRIM59-IFT80 (TRIM59-IFT80 readthrough (NMD candidate); minus strand), IFT80 (intraflagellar transport 80; minus strand). Cytogenetic location: 3q25.33.
Variant type: single nucleotide variant.
Coding change: c.925C>T on transcript NM_020800.3 (MANE Select); coding-DNA position 925, C replaced by T.
Protein change: p.Gln309Ter; replaces glutamine 309 with a stop codon.
Molecular consequence: nonsense. On other transcripts: non-coding transcript variant (3).
Genome position (GRCh38, 1-based): chr3:160,319,792, G>A on the plus strand (C>T on the coding strand, the complement: IFT80 is on the minus strand). VCF-style: chr3-160319792-G-A. GRCh37 (hg19) VCF-style: chr3-160037580-G-A.
Other names: c.514C>T, p.Gln172Ter (NM_001190241.2, NM_001190242.2); short protein forms Q309*, Q172*.
Identifiers: ClinVar variation 4724190 (VCV004724190.1).